The following is an entry in ClinVar:

ClinVar aggregate classification (germline): Uncertain significance (1 of 4 stars; one submission).

Conditions:
Primary ciliary dyskinesia. Also called: Ciliary dyskinesia. Identifiers: Orphanet 244, MedGen C0008780, MONDO:0016575, HP:0012265.

Allele frequency attached by ClinVar (database versions not stated): gnomAD exomes below 0.00001.
gnomAD v4.1: 1 of 1,603,994 alleles (0.000062%); highest among the groups gnomAD compares: African/African-American, 0.0013%; no homozygotes.

Submission:

Labcorp Genetics (formerly Invitae), Labcorp
Classification: Uncertain significance for Primary ciliary dyskinesia. Last evaluated: 2023-07-21. Review status: criteria provided, single submitter. Criteria: Invitae Variant Classification Sherloc (09022015). Collection method: clinical testing. Allele origin: germline.
Comment: This sequence change affects codon 398 of the DNAH11 mRNA. It is a 'silent' change, meaning that it does not change the encoded amino acid sequence of the DNAH11 protein. This variant also falls at the last nucleotide of exon 6, which is part of the consensus splice site for this exon. In summary, the available evidence is currently insufficient to determine the role of this variant in disease. Therefore, it has been classified as a Variant of Uncertain Significance. Variants that disrupt the consensus splice site are a relatively common cause of aberrant splicing (PMID: 17576681, 9536098). Algorithms developed to predict the effect of sequence changes on RNA splicing suggest that this variant may disrupt the consensus splice site. This variant has not been reported in the literature in individuals affected with DNAH11-related conditions. This variant is not present in population databases (gnomAD no frequency).

Literature cited by the submitters: PubMed 17576681; PubMed 9536098.

NM_001277115.2(DNAH11):c.1194G>A (p.Gln398=)

Gene: DNAH11 (dynein axonemal heavy chain 11; plus strand). Cytogenetic location: 7p15.3.
Variant type: single nucleotide variant.
Coding change: c.1194G>A on transcript NM_001277115.2 (MANE Select); coding-DNA position 1194, G replaced by A.
Protein change: p.Gln398=; no amino-acid change (glutamine 398 retained).
Molecular consequence: synonymous variant.
Genome position (GRCh38, 1-based): chr7:21,564,397, G>A. VCF-style: chr7-21564397-G-A. GRCh37 (hg19) VCF-style: chr7-21604015-G-A.
Other names: c.1194G>A, p.Gln398= (NM_003777.3).
Identifiers: ClinVar variation 2873285 (VCV002873285.3), dbSNP rs2534496734, ClinGen allele CA454139149.
Genomic context (GRCh38, chr7:21,564,397, plus strand): 5'-TAACACCCCAGCTCGGGTTATAGTTTTATTGCAAGAGTTTTGTAATCTCTTCATTAACCA[G>A]GTATGAAGCATCAAAAAACAGGAACAATAAGAATTGTTGCTGTGAGGTAGGTTTTACGAG-3'
Protein context (NP_001264044.1, residues 388-408): LQEFCNLFIN[Gln398=]ATAYLSPEDL